The following is an entry in ClinVar:

NM_000138.5(FBN1):c.3476G>A (p.Cys1159Tyr)

Gene: FBN1 (fibrillin 1; minus strand). Cytogenetic location: 15q21.1.
Variant type: single nucleotide variant.
Coding change: c.3476G>A on transcript NM_000138.5 (MANE Select); coding-DNA position 3476, G replaced by A.
Protein change: p.Cys1159Tyr; replaces cysteine 1159 with tyrosine.
Molecular consequence: missense variant.
Genome position (GRCh38, 1-based): chr15:48,487,188, C>T on the plus strand (G>A on the coding strand, the complement: FBN1 is on the minus strand). VCF-style: chr15-48487188-C-T. GRCh37 (hg19) VCF-style: chr15-48779385-C-T.
Other names: NM_000138.5(FBN1):c.3476G>A; p.Cys1159Tyr; short protein forms C1159Y.
Identifiers: ClinVar variation 547309 (VCV000547309.5), dbSNP rs1555398524, ClinGen allele CA392325981.

ClinVar aggregate classification (germline): Pathogenic. Review status: reviewed by expert panel (3 of 4 stars). 4 submissions from 4 submitters: Pathogenic (1). 3 of the submissions do not count toward it. Last evaluated 2024-08-22.

Conditions:
Familial thoracic aortic aneurysm and aortic dissection (TAAD). Also called: Thoracic aortic aneurysms and dissections. Identifiers: Orphanet 91387, MedGen C4707243, MONDO:0019625.
Marfan syndrome (MFS). Also called: Marfan syndrome type 1; Marfan syndrome, classic; Marfan's syndrome; FBN1-Related Marfan Syndrome; MARFAN SYNDROME, TYPE I. Identifiers: Orphanet 284963, Orphanet 558, MedGen C0024796, MONDO:0007947, OMIM 154700.

Submissions (4):

ClinGen FBN1 Variant Curation Expert Panel, ClinGen
Classification: Pathogenic for Marfan syndrome. Last evaluated: 2024-08-22. Review status: reviewed by expert panel. Criteria: Assertion Criteria VCEP FBN1 Version 1. Collection method: curation. Allele origin: germline. Inheritance: Autosomal dominant inheritance.
Comment: NM_000138.5 c.3476G>A is a missense variant in FBN1 predicted to cause a substitution of a cysteine by tyrosine at amino acid 1159 (p.Cys1159Tyr). This variant has been reported 3 times in ClinVar as pathogenic (2) and of uncertain significance (1) (Variation ID: 547309). This variant has been identified in 4 other individuals meeting the revised Ghent criteria for a clinical diagnosis of MFS, as de novo in a neonate with severe TAA and a systemic score of 6, and in 2 additional individuals who did not meet diagnostic criteria either but have phenotypes strongly suggestive of MFS (PS4, PM6_supporting; PMIDs: 35831148, 31523900, 34628919; UZG, Mayo, & Invitae internal data). It is not present in gnomAD (PM2_supporting). This variant affects a cysteine residue in a calcium-binding EGF-like domain; cysteine residues are involved in the formation of disulfide bridges which are essential for the protein structure (PM1_strong). Computational prediction tools and conservation analysis suggest that this variant may impact the protein (PP3; REVEL = 0.981). The constraint z-score for missense variants affecting FBN1 is 8.2 (PP2; gnomAD v4.1.0). In summary, this variant meets criteria to be classified as pathogenic for Marfan syndrome based on the ACMG/AMP criteria applied, as specified by the ClinGen FBN1 VCEP: PS4, PM1_strong, PP2, PP3, PP4, PM2_supporting, PM6_supporting.

Labcorp Genetics (formerly Invitae), Labcorp
Classification: Pathogenic for Marfan syndrome; Familial thoracic aortic aneurysm and aortic dissection. Last evaluated: 2025-09-02. Review status: criteria provided, single submitter. Criteria: Invitae Variant Classification Sherloc (09022015). Collection method: clinical testing. Allele origin: germline. Not counted in ClinVar's aggregate classification.
Comment: This sequence change replaces cysteine, which is neutral and slightly polar, with tyrosine, which is neutral and polar, at codon 1159 of the FBN1 protein (p.Cys1159Tyr). This variant is not present in population databases (gnomAD no frequency). This missense change has been observed in individuals with Marfan syndrome (PMID: 34628919; internal data). ClinVar contains an entry for this variant (Variation ID: 547309). Invitae Evidence Modeling of protein sequence and biophysical properties (such as structural, functional, and spatial information, amino acid conservation, physicochemical variation, residue mobility, and thermodynamic stability) indicates that this missense variant is expected to disrupt FBN1 protein function with a positive predictive value of 95%. This variant affects a cysteine residue in the EGF-like, TGFBP or hybrid motif domains of FBN1. Cysteine residues are believed to be involved in intramolecular disulfide bridges and have been shown to be important for FBN1 protein structure (PMID: 16905551, 19349279). In addition, missense substitutions affecting cysteine residues within these domains are significantly overrepresented among patients with Marfan syndrome (PMID: 16571647, 17701892). This variant disrupts the p.Cys1159 amino acid residue in FBN1. Other variant(s) that disrupt this residue have been observed in individuals with FBN1-related conditions (PMID: 34628919; internal data), which suggests that this may be a clinically significant amino acid residue. For these reasons, this variant has been classified as Pathogenic.

Center for Human Genetics, Inc
Classification: Uncertain significance for Marfan syndrome. Last evaluated: 2016-11-01. Review status: criteria provided, single submitter. Criteria: ACMG Guidelines, 2015. Collection method: clinical testing. Allele origin: germline. Affected: yes. Not counted in ClinVar's aggregate classification.

Center for Medical Genetics Ghent, University of Ghent
Classification: Pathogenic for Marfan syndrome. Last evaluated: 2017-11-07. Review status: no assertion criteria provided. Collection method: clinical testing. Allele origin: de novo. Affected: yes. Not counted in ClinVar's aggregate classification.

Literature cited by the submitters: PubMed 34628919 (cited by Labcorp Genetics (formerly Invitae), Labcorp); PubMed 16905551 (cited by Labcorp Genetics (formerly Invitae), Labcorp); PubMed 19349279 (cited by Labcorp Genetics (formerly Invitae), Labcorp); PubMed 16571647 (cited by Labcorp Genetics (formerly Invitae), Labcorp); PubMed 17701892 (cited by Labcorp Genetics (formerly Invitae), Labcorp).